The following is an entry in ClinVar:

NM_001134831.2(AHI1):c.3328A>G (p.Thr1110Ala)

Gene: AHI1 (Abelson helper integration site 1; minus strand). Cytogenetic location: 6q23.3.
Variant type: single nucleotide variant.
Coding change: c.3328A>G on transcript NM_001134831.2 (MANE Select); coding-DNA position 3328, A replaced by G.
Protein change: p.Thr1110Ala; replaces threonine 1110 with alanine.
Molecular consequence: missense variant.
Genome position (GRCh38, 1-based): chr6:135,323,162, T>C on the plus strand (A>G on the coding strand, the complement: AHI1 is on the minus strand). VCF-style: chr6-135323162-T-C. GRCh37 (hg19) VCF-style: chr6-135644300-T-C.
Other names: c.3328A>G, p.Thr1110Ala (NM_001134830.2, NM_001350503.2, NM_001350504.2 and 1 more transcripts); short protein forms T1110A.
Identifiers: ClinVar variation 903944 (VCV000903944.7), dbSNP rs1380307778, ClinGen allele CA365845349.

ClinVar aggregate classification (germline): Uncertain significance. Review status: criteria provided, multiple submitters, no conflicts (2 of 4 stars). 3 submissions from 3 submitters: Uncertain significance (3). Last evaluated 2024-04-15.

Conditions:
Joubert syndrome 3 (JBTS3). Also called: AHI1-related Ciliopathy. Identifiers: Orphanet 220493, MedGen C1837713, MONDO:0012078, OMIM 608629.
Joubert syndrome. Also called: Familial aplasia of the vermis; CEREBELLOPARENCHYMAL DISORDER IV; JOUBERT-BOLTSHAUSER SYNDROME. Identifiers: Orphanet 475, MedGen C5979921, MONDO:0018772.

Allele frequency attached by ClinVar (database versions not stated): gnomAD exomes 0.00001; TOPMed 0.00001; gnomAD 0.00002.
gnomAD v4.1: 21 of 1,605,422 alleles (0.0013%); highest among the groups gnomAD compares: Non-Finnish European, 0.0017%; no homozygotes.

Submissions (3):

Fulgent Genetics
Classification: Uncertain significance for Joubert syndrome 3. Last evaluated: 2024-04-15. Review status: criteria provided, single submitter. Criteria: ACMG Guidelines, 2015. Collection method: clinical testing. Allele origin: germline.

Labcorp Genetics (formerly Invitae), Labcorp
Classification: Uncertain significance for Joubert syndrome. Last evaluated: 2022-09-28. Review status: criteria provided, single submitter. Criteria: Invitae Variant Classification Sherloc (09022015). Collection method: clinical testing. Allele origin: germline.
Comment: This sequence change replaces threonine, which is neutral and polar, with alanine, which is neutral and non-polar, at codon 1110 of the AHI1 protein (p.Thr1110Ala). This variant is not present in population databases (gnomAD no frequency). This variant has not been reported in the literature in individuals affected with AHI1-related conditions. ClinVar contains an entry for this variant (Variation ID: 903944). Algorithms developed to predict the effect of missense changes on protein structure and function are either unavailable or do not agree on the potential impact of this missense change (SIFT: "Tolerated"; PolyPhen-2: "Probably Damaging"; Align-GVGD: "Class C0"). Algorithms developed to predict the effect of sequence changes on RNA splicing suggest that this variant may create or strengthen a splice site. In summary, the available evidence is currently insufficient to determine the role of this variant in disease. Therefore, it has been classified as a Variant of Uncertain Significance.

Illumina Laboratory Services, Illumina
Classification: Uncertain significance for Joubert syndrome 3. Last evaluated: 2018-01-12. Review status: criteria provided, single submitter. Criteria: ICSL Variant Classification Criteria 13 December 2019. Collection method: clinical testing. Allele origin: germline.